The following is an entry in ClinVar:

ClinVar aggregate classification (germline): Uncertain significance (1 of 4 stars; one submission).

Allele frequency attached by ClinVar (database versions not stated): gnomAD exomes below 0.00001 and 0.00002; TOPMed below 0.00001; ExAC 0.00001.
gnomAD v4.1: 2 of 1,614,058 alleles (0.00012%); highest among the groups gnomAD compares: East Asian, 0.0045%; no homozygotes.

Submission:

Labcorp Genetics (formerly Invitae), Labcorp
Classification: Uncertain significance. Last evaluated: 2022-07-06. Review status: criteria provided, single submitter. Criteria: Invitae Variant Classification Sherloc (09022015). Collection method: clinical testing. Allele origin: germline.
Comment: In summary, the available evidence is currently insufficient to determine the role of this variant in disease. Therefore, it has been classified as a Variant of Uncertain Significance. Algorithms developed to predict the effect of sequence changes on RNA splicing suggest that this variant may create or strengthen a splice site. Algorithms developed to predict the effect of missense changes on protein structure and function output the following: SIFT: "Tolerated"; PolyPhen-2: "Benign"; Align-GVGD: "Class C0". The valine amino acid residue is found in multiple mammalian species, which suggests that this missense change does not adversely affect protein function. ClinVar contains an entry for this variant (Variation ID: 1035011). This variant has not been reported in the literature in individuals affected with TTLL5-related conditions. This variant is present in population databases (rs774032319, gnomAD 0.02%). This sequence change replaces methionine, which is neutral and non-polar, with valine, which is neutral and non-polar, at codon 518 of the TTLL5 protein (p.Met518Val).

NM_015072.5(TTLL5):c.1552A>G (p.Met518Val)

Gene: TTLL5 (tubulin tyrosine ligase like 5; plus strand). Cytogenetic location: 14q24.3.
Variant type: single nucleotide variant.
Coding change: c.1552A>G on transcript NM_015072.5 (MANE Select); coding-DNA position 1552, A replaced by G.
Protein change: p.Met518Val; replaces methionine 518 with valine.
Molecular consequence: missense variant.
Genome position (GRCh38, 1-based): chr14:75,764,616, A>G. VCF-style: chr14-75764616-A-G. GRCh37 (hg19) VCF-style: chr14-76230959-A-G.
Other names: short protein forms M518V.
Identifiers: ClinVar variation 1035011 (VCV001035011.6), dbSNP rs774032319, ClinGen allele CA7279464.